The following is an entry in ClinVar:

NM_173841.2(IL1RN):c.-87G>A

Gene: IL1RN (interleukin 1 receptor antagonist; plus strand). Cytogenetic location: 2q14.1.
Variant type: single nucleotide variant.
Coding change: c.-87G>A on transcript NM_173841.2; 87 bases upstream of the start codon, G replaced by A.
Genome position (GRCh38, 1-based): chr2:113,117,932, G>A. VCF-style: chr2-113117932-G-A. GRCh37 (hg19) VCF-style: chr2-113875509-G-A.
Identifiers: ClinVar variation 330817 (VCV000330817.13), dbSNP rs2234677, ClinGen allele CA10611832.
Genomic context (GRCh38, chr2:113,117,932, plus strand): 5'-TCTGAGGTGCTCTGGAAGGAGGGGCAGCTCCACCCTGGGAGGGACTGTGGCCCAGGTACT[G>A]CCCGGGTGCTACTTTATGGGCAGCAGCTCAGTTGAGTTAGAGTCTGGAAGACCTCAGAAG-3'

ClinVar aggregate classification (germline): Benign. Review status: criteria provided, multiple submitters, no conflicts (2 of 4 stars). 4 submissions from 4 submitters: Benign (4). Last evaluated 2023-11-12.

Conditions:
Sterile multifocal osteomyelitis with periostitis and pustulosis. Also called: CHRONIC RECURRENT MULTIFOCAL OSTEOMYELITIS 2, WITH PERIOSTITIS AND PUSTULOSIS. Identifiers: Orphanet 210115, MedGen C2748507, MONDO:0013021, OMIM 612852.

Allele frequency attached by ClinVar (database versions not stated): TOPMed 0.19896; ESP Exome Variant Server 0.20587; 1000 Genomes Project 30x 0.18129; 1000 Genomes Project 0.18650.
gnomAD v4.1: 202,502 of 837,914 alleles (24%); highest among the groups gnomAD compares: Admixed American, 31%; 27,199 homozygotes.

Submissions (4):

Unidad de Genómica Garrahan, Hospital de Pediatría Garrahan
Classification: Benign. Last evaluated: 2023-11-12. Review status: criteria provided, single submitter. Criteria: ACMG Guidelines, 2015. Collection method: clinical testing. Allele origin: germline. Affected: no. Observed: 43 variant alleles.
Comment: This variant is classified as Benign based on local population frequency. This variant was detected in 45% of patients studied by a panel of primary immunodeficiencies. Number of patients: 43. Only high quality variants are reported.

GeneDx
Classification: Benign. Last evaluated: 2021-05-12. Review status: criteria provided, single submitter. Criteria: GeneDx Variant Classification Process June 2021. Collection method: clinical testing. Allele origin: germline. Affected: yes.

Illumina Laboratory Services, Illumina
Classification: Benign for Sterile multifocal osteomyelitis with periostitis and pustulosis. Last evaluated: 2018-01-12. Review status: criteria provided, single submitter. Criteria: ICSL Variant Classification Criteria 13 December 2019. Collection method: clinical testing. Allele origin: germline.
Comment: This variant was observed in the ICSL laboratory as part of a predisposition screen in an ostensibly healthy population. It had not been previously curated by ICSL or reported in the Human Gene Mutation Database (HGMD: prior to June 1st, 2018), and was therefore a candidate for classification through an automated scoring system. Utilizing variant allele frequency, disease prevalence and penetrance estimates, and inheritance mode, an automated score was calculated to assess if this variant is too frequent to cause the disease. Based on the score and internal cut-off values, a variant classified as benign is not then subjected to further curation. The score for this variant resulted in a classification of benign for this disease.

Breakthrough Genomics
Classification: Benign. Review status: criteria provided, single submitter. Criteria: ACMG Guidelines, 2015. Collection method: not provided. Allele origin: germline. Inheritance: Autosomal recessive inheritance. Affected: yes.